The following is an entry in ClinVar:

ClinVar aggregate classification (germline): Benign/Likely benign. Review status: criteria provided, multiple submitters, no conflicts (2 of 4 stars). 12 submissions from 12 submitters: Benign (10); Likely benign (1). 1 of the submissions does not count toward it. Last evaluated 2026-02-04.

Conditions:
Fanconi anemia (FA). Also called: Fanconi's anemia. Identifiers: Orphanet 84, MedGen C0015625, MeSH D005199, MONDO:0019391.
Fanconi anemia complementation group P. Also called: SLX4-Related Fanconi Anemia. Identifiers: Orphanet 84, MedGen C3469542, MONDO:0013499, OMIM 613951.

Allele frequency attached by ClinVar (database versions not stated): 1000 Genomes Project 0.23083; gnomAD exomes 0.20847; ESP Exome Variant Server 0.21895; gnomAD 0.21914 and 0.21963; TOPMed 0.22238; 1000 Genomes Project 30x 0.22939.
gnomAD v4.1: 338,440 of 1,613,518 alleles (21%); highest among the groups gnomAD compares: East Asian, 33%; 36,273 homozygotes.

Submissions (12):

Labcorp Genetics (formerly Invitae), Labcorp
Classification: Benign for Fanconi anemia. Last evaluated: 2026-02-04. Review status: criteria provided, single submitter. Criteria: Invitae Variant Classification Sherloc (09022015). Collection method: clinical testing. Allele origin: germline.

ARUP Laboratories, Molecular Genetics and Genomics, ARUP Laboratories
Classification: Benign for Fanconi anemia complementation group P. Last evaluated: 2025-07-14. Review status: criteria provided, single submitter. Criteria: ARUP Molecular Germline Variant Investigation Process 2024. Collection method: clinical testing. Allele origin: germline.

Genomic Medicine Center of Excellence, King Faisal Specialist Hospital and Research Centre
Classification: Benign for Fanconi anemia complementation group P. Last evaluated: 2024-12-19. Review status: criteria provided, single submitter. Criteria: ACMG Guidelines, 2015. Collection method: clinical testing. Allele origin: germline.

Blueprint Genetics
Classification: Likely benign. Last evaluated: 2024-11-27. Review status: criteria provided, single submitter. Criteria: ACMG Guidelines, 2015. Collection method: clinical testing. Allele origin: germline.

KCCC/NGS Laboratory, Kuwait Cancer Control Center
Classification: Benign for Fanconi anemia complementation group P. Last evaluated: 2023-07-07. Review status: criteria provided, single submitter. Criteria: ACMG Guidelines, 2015. Collection method: clinical testing. Allele origin: germline. Affected: yes.

Mayo Clinic Laboratories, Mayo Clinic
Classification: Benign. Last evaluated: 2022-09-06. Review status: criteria provided, single submitter. Criteria: ACMG Guidelines, 2015. Collection method: clinical testing. Allele origin: germline. Observed: 21 variant alleles.

Genome-Nilou Lab
Classification: Benign for Fanconi anemia complementation group P. Last evaluated: 2021-07-15. Review status: criteria provided, single submitter. Criteria: ACMG Guidelines, 2015. Collection method: clinical testing. Allele origin: germline. Affected: no.

GeneDx
Classification: Benign. Last evaluated: 2019-02-24. Review status: criteria provided, single submitter. Criteria: GeneDx Variant Classification Process June 2021. Collection method: clinical testing. Allele origin: germline. Affected: yes.

Illumina Laboratory Services, Illumina
Classification: Benign for Fanconi anemia complementation group P. Last evaluated: 2018-01-12. Review status: criteria provided, single submitter. Criteria: ICSL Variant Classification Criteria 13 December 2019. Collection method: clinical testing. Allele origin: germline.
Comment: This variant was observed in the ICSL laboratory as part of a predisposition screen in an ostensibly healthy population. It had not been previously curated by ICSL or reported in the Human Gene Mutation Database (HGMD: prior to June 1st, 2018), and was therefore a candidate for classification through an automated scoring system. Utilizing variant allele frequency, disease prevalence and penetrance estimates, and inheritance mode, an automated score was calculated to assess if this variant is too frequent to cause the disease. Based on the score and internal cut-off values, a variant classified as benign is not then subjected to further curation. The score for this variant resulted in a classification of benign for this disease.

Breakthrough Genomics
Classification: Benign. Review status: criteria provided, single submitter. Criteria: ACMG Guidelines, 2015. Collection method: not provided. Allele origin: germline. Inheritance: Autosomal recessive inheritance. Affected: yes.

PreventionGenetics, part of Exact Sciences
Classification: Benign. Review status: criteria provided, single submitter. Criteria: ACMG Guidelines, 2015. Collection method: clinical testing. Allele origin: germline.

Leiden Open Variation Database
Classification: Likely benign. Last evaluated: 2012-08-31. Review status: no assertion criteria provided. Collection method: curation. Allele origin: germline. Affected: yes. Not counted in ClinVar's aggregate classification.
Comment: Curator: Arleen D. Auerbach. Submitter to LOVD: Janine Bakker.

Literature cited by the submitters: PubMed 22911665 (cited by Leiden Open Variation Database).

NM_032444.4(SLX4):c.753G>A (p.Ala251=)

Gene: SLX4 (SLX4 structure-specific endonuclease subunit; minus strand). Cytogenetic location: 16p13.3.
Variant type: single nucleotide variant.
Coding change: c.753G>A on transcript NM_032444.4 (MANE Select); coding-DNA position 753, G replaced by A.
Protein change: p.Ala251=; no amino-acid change (alanine 251 retained).
Molecular consequence: synonymous variant.
Genome position (GRCh38, 1-based): chr16:3,606,481, C>T on the plus strand (G>A on the coding strand, the complement: SLX4 is on the minus strand). VCF-style: chr16-3606481-C-T. GRCh37 (hg19) VCF-style: chr16-3656482-C-T.
Other names: p.Ala251=; c.753G>A (NM_032444.3, LRG_503t1).
Identifiers: ClinVar variation 262058 (VCV000262058.35), dbSNP rs8061528, ClinGen allele CA7866769.